The following is an entry in ClinVar:

ClinVar aggregate classification (germline): Likely pathogenic. Review status: criteria provided, multiple submitters, no conflicts (2 of 4 stars). 2 submissions from 2 submitters: Likely pathogenic (2). Last evaluated 2025-05-20.

Conditions:
Pontocerebellar hypoplasia type 2D (PCH2D). Also called: Progressive cerebello-cerebral atrophy. Identifiers: Orphanet 247198, Orphanet 2524, MedGen C3151140, MONDO:0013438, OMIM 613811.

Submissions (2):

Natera, Inc.
Classification: Likely pathogenic for Pontocerebellar hypoplasia type 2d. Last evaluated: 2025-05-20. Review status: criteria provided, single submitter. Criteria: Natera Variant Classification Schema (03/2026). Collection method: clinical testing. Allele origin: germline.
Comment: The c.1027-2A>G variant in SEPSECS is a canonical splice acceptor site variant predicted to affect pre-mRNA splicing, which may result in an abnormal transcript and altered protein product. This variant is expected to result in nonsense mediated decay, truncation, or a dysfunctional protein product. This variant is rare in the general population with a frequency below the threshold expected for the associated phenotype(s). Given the available evidence, this variant is classified as Likely Pathogenic.

Fulgent Genetics
Classification: Likely pathogenic for Pontocerebellar hypoplasia type 2D. Last evaluated: 2023-12-20. Review status: criteria provided, single submitter. Criteria: ACMG Guidelines, 2015. Collection method: clinical testing. Allele origin: germline.

NM_016955.4(SEPSECS):c.1027-2A>G

Gene: SEPSECS (Sep (O-phosphoserine) tRNA:Sec (selenocysteine) tRNA synthase; minus strand). Cytogenetic location: 4p15.2.
Variant type: single nucleotide variant.
Coding change: c.1027-2A>G on transcript NM_016955.4 (MANE Select); the canonical splice acceptor site of the intron before coding-DNA position 1027, A replaced by G.
Molecular consequence: splice acceptor variant.
Genome position (GRCh38, 1-based): chr4:25,127,359, T>C on the plus strand (A>G on the coding strand, the complement: SEPSECS is on the minus strand). VCF-style: chr4-25127359-T-C. GRCh37 (hg19) VCF-style: chr4-25128981-T-C.
Other names: c.1282-2A>G (NM_001410714.1); c.1027-2A>G (NM_016955.3).
Identifiers: ClinVar variation 3590469 (VCV003590469.3).